The following is an entry in ClinVar:

ClinVar aggregate classification (germline): Pathogenic/Likely pathogenic. Review status: criteria provided, multiple submitters, no conflicts (2 of 4 stars). 2 submissions from 2 submitters: Pathogenic (1); Likely pathogenic (1). Last evaluated 2023-05-30.

Conditions:
ABCA1-related disorder. Also called: ABCA1-related disorders; ABCA1-related condition. Identifiers: MedGen CN239173.

Allele frequency attached by ClinVar (database versions not stated): gnomAD exomes 0.00001; gnomAD 0.00001.
gnomAD v4.1: 13 of 1,613,996 alleles (0.00081%); highest among the groups gnomAD compares: Non-Finnish European, 0.00093%; no homozygotes.

Submissions (2):

Labcorp Genetics (formerly Invitae), Labcorp
Classification: Pathogenic. Last evaluated: 2023-05-30. Review status: criteria provided, single submitter. Criteria: Invitae Variant Classification Sherloc (09022015). Collection method: clinical testing. Allele origin: germline.
Comment: For these reasons, this variant has been classified as Pathogenic. This premature translational stop signal has been observed in individual(s) with clinical features of ABCA1-related conditions (PMID: 15019541). This variant is present in population databases (no rsID available, gnomAD 0.0009%). This sequence change creates a premature translational stop signal (p.Arg557*) in the ABCA1 gene. It is expected to result in an absent or disrupted protein product. Loss-of-function variants in ABCA1 are known to be pathogenic (PMID: 10525055, 10760292, 20880529).

Blueprint Genetics
Classification: Likely pathogenic for ABCA1-related disorders. Last evaluated: 2020-04-14. Review status: criteria provided, single submitter. Criteria: ACMG Guidelines, 2015. Collection method: clinical testing. Allele origin: germline. Affected: yes. Observed: 1 variant allele.

Literature cited by the submitters: PubMed 15019541 (cited by Labcorp Genetics (formerly Invitae), Labcorp); PubMed 10525055 (cited by Labcorp Genetics (formerly Invitae), Labcorp); PubMed 10760292 (cited by Labcorp Genetics (formerly Invitae), Labcorp); PubMed 20880529 (cited by Labcorp Genetics (formerly Invitae), Labcorp).

NM_005502.4(ABCA1):c.1669C>T (p.Arg557Ter)

Gene: ABCA1 (ATP binding cassette subfamily A member 1; minus strand). Cytogenetic location: 9q31.1.
Variant type: single nucleotide variant.
Coding change: c.1669C>T on transcript NM_005502.4 (MANE Select); coding-DNA position 1669, C replaced by T.
Protein change: p.Arg557Ter; replaces arginine 557 with a stop codon.
Molecular consequence: nonsense.
Genome position (GRCh38, 1-based): chr9:104,831,668, G>A on the plus strand (C>T on the coding strand, the complement: ABCA1 is on the minus strand). VCF-style: chr9-104831668-G-A. GRCh37 (hg19) VCF-style: chr9-107593949-G-A.
Other names: short protein forms R557*.
Identifiers: ClinVar variation 2735314 (VCV002735314.4), dbSNP rs1238816267, ClinGen allele CA374324655.